The following is an entry in ClinVar:

NM_005445.4(SMC3):c.1561C>T (p.Arg521Ter)

Gene: SMC3 (structural maintenance of chromosomes 3; plus strand). Cytogenetic location: 10q25.2.
Variant type: single nucleotide variant.
Coding change: c.1561C>T on transcript NM_005445.4 (MANE Select); coding-DNA position 1561, C replaced by T.
Protein change: p.Arg521Ter; replaces arginine 521 with a stop codon.
Molecular consequence: nonsense.
Genome position (GRCh38, 1-based): chr10:110,590,463, C>T. VCF-style: chr10-110590463-C-T. GRCh37 (hg19) VCF-style: chr10-112350221-C-T.
Other names: short protein forms R521*.
Identifiers: ClinVar variation 4864883 (VCV004864883.1).

ClinVar aggregate classification (germline): Pathogenic (1 of 4 stars; one submission).

Conditions:
Inborn genetic diseases. Identifiers: MedGen C0950123, MeSH D030342.

Submission:

Ambry Genetics
Classification: Pathogenic for Inborn genetic diseases. Last evaluated: 2026-03-19. Review status: criteria provided, single submitter. Criteria: Ambry Variant Classification Scheme 2023. Collection method: clinical testing. Allele origin: germline.
Comment: The c.1561C>T (p.R521*) alteration, located in exon 16 (coding exon 16) of the SMC3 gene, consists of a C to T substitution at nucleotide position 1561. This changes the amino acid from a arginine (R) to a stop codon at amino acid position 521. This variant is expected to result in loss of function by premature protein truncation or nonsense-mediated mRNA decay. This variant was not reported in population-based cohorts in the Genome Aggregation Database (gnomAD). This variant was reported in individual(s) with features consistent with SMC3-related Cornelia de Lange syndrome (Ansari, 2014). Based on the available evidence, this alteration is classified as pathogenic.

Literature cited by the submitters: PubMed 25125236.